The following is an entry in ClinVar:

NM_001122681.2(SH3BP2):c.710C>T (p.Pro237Leu)

Gene: SH3BP2 (SH3 domain binding protein 2; plus strand). Cytogenetic location: 4p16.3.
Variant type: single nucleotide variant.
Coding change: c.710C>T on transcript NM_001122681.2 (MANE Select); coding-DNA position 710, C replaced by T.
Protein change: p.Pro237Leu; replaces proline 237 with leucine.
Molecular consequence: missense variant.
Genome position (GRCh38, 1-based): chr4:2,829,616, C>T. VCF-style: chr4-2829616-C-T. GRCh37 (hg19) VCF-style: chr4-2831343-C-T.
Other names: c.794C>T, p.Pro265Leu (NM_001145855.2); c.881C>T, p.Pro294Leu (NM_001145856.2); c.710C>T, p.Pro237Leu (NM_003023.4); short protein forms P237L, P265L, P294L.
Identifiers: ClinVar variation 4696089 (VCV004696089.1).
Genomic context (GRCh38, chr4:2,829,616, plus strand): 5'-TCTCTGACATGCCCCGGGCCCACTCCTTTACCTCCAAGGGCCCCGGTCCCCTACTGCCAC[C>T]CCCGCCCCCTAAGCACGGCCTCCCAGATGTTGGCCTGGCTGCTGAGGACTCCAAGAGGGA-3'
Protein context (NP_001116153.1, residues 227-247): TSKGPGPLLP[Pro237Leu]PPPKHGLPDV

ClinVar aggregate classification (germline): Uncertain significance (1 of 4 stars; one submission).

Conditions:
Fibrous dysplasia of jaw (CRBM). Also called: Cherubism. Identifiers: Orphanet 184, MedGen C0008029, MONDO:0007315, OMIM 118400.

gnomAD v4.1: 1 of 1,612,690 alleles (0.000062%); highest among the groups gnomAD compares: Non-Finnish European, 0.000085%; no homozygotes.

Submission:

Labcorp Genetics (formerly Invitae), Labcorp
Classification: Uncertain significance for Fibrous dysplasia of jaw. Last evaluated: 2025-04-24. Review status: criteria provided, single submitter. Criteria: Invitae Variant Classification Sherloc (09022015). Collection method: clinical testing. Allele origin: germline.
Comment: This sequence change replaces proline, which is neutral and non-polar, with leucine, which is neutral and non-polar, at codon 237 of the SH3BP2 protein (p.Pro237Leu). This variant is not present in population databases (gnomAD no frequency). This variant has not been reported in the literature in individuals affected with SH3BP2-related conditions. Invitae Evidence Modeling of protein sequence and biophysical properties (such as structural, functional, and spatial information, amino acid conservation, physicochemical variation, residue mobility, and thermodynamic stability) has been performed for this missense variant. However, the output from this modeling did not meet the statistical confidence thresholds required to predict the impact of this variant on SH3BP2 protein function. In summary, the available evidence is currently insufficient to determine the role of this variant in disease. Therefore, it has been classified as a Variant of Uncertain Significance.